The following is an entry in ClinVar:

ClinVar aggregate classification (germline): Uncertain significance (1 of 4 stars; one submission).

Conditions:
Giant axonal neuropathy 1 (GAN1). Also called: GAN-Related Neurodegeneration; GIANT AXONAL NEUROPATHY 1, AUTOSOMAL RECESSIVE. Identifiers: Orphanet 643, MedGen C1850386, MONDO:0009749, OMIM 256850.

Allele frequency attached by ClinVar (database versions not stated): TOPMed below 0.00001; gnomAD 0.00001; gnomAD exomes 0.00001; ExAC 0.00002.
gnomAD v4.1: 10 of 1,538,384 alleles (0.00065%); highest among the groups gnomAD compares: African/African-American, 0.0027%; no homozygotes.

Submission:

Labcorp Genetics (formerly Invitae), Labcorp
Classification: Uncertain significance for Giant axonal neuropathy 1. Last evaluated: 2022-05-01. Review status: criteria provided, single submitter. Criteria: Invitae Variant Classification Sherloc (09022015). Collection method: clinical testing. Allele origin: germline.
Comment: This sequence change falls in intron 4 of the GAN gene. It does not directly change the encoded amino acid sequence of the GAN protein. This variant is present in population databases (rs781095754, gnomAD 0.02%). This variant has not been reported in the literature in individuals affected with GAN-related conditions. Algorithms developed to predict the effect of sequence changes on RNA splicing suggest that this variant may create or strengthen a splice site. In summary, the available evidence is currently insufficient to determine the role of this variant in disease. Therefore, it has been classified as a Variant of Uncertain Significance.

NM_022041.4(GAN):c.851+7A>G

Gene: GAN (gigaxonin; plus strand). Cytogenetic location: 16q23.2.
Variant type: single nucleotide variant.
Coding change: c.851+7A>G on transcript NM_022041.4 (MANE Select); 7 bases into the intron after coding-DNA position 851, A replaced by G.
Molecular consequence: intron variant.
Genome position (GRCh38, 1-based): chr16:81,357,009, A>G. VCF-style: chr16-81357009-A-G. GRCh37 (hg19) VCF-style: chr16-81390614-A-G.
Other names: c.212+7A>G (NM_001377486.1).
Identifiers: ClinVar variation 1989600 (VCV001989600.4), dbSNP rs781095754, ClinGen allele CA8191506.
Genomic context (GRCh38, chr16:81,357,009, plus strand): 5'-CAAACCCCGGGGCTACTCTGAGTGCATCGTGACTGTTGGTGGAGAAGAGAGAGTGTAAGT[A>G]TGAGGTGGGACTTGTTTGAAAAGTGGTGTATGGGAAGAGGTAGTTCCATGTAAACAAGAA-3'